The following is an entry in ClinVar:

ClinVar aggregate classification (germline): Uncertain significance. Review status: criteria provided, multiple submitters, no conflicts (2 of 4 stars). 2 submissions from 2 submitters: Uncertain significance (2). Last evaluated 2025-11-12.

Allele frequency attached by ClinVar (database versions not stated): ExAC 0.00004; TOPMed 0.00005.
gnomAD v4.1: 31 of 1,614,008 alleles (0.0019%); highest among the groups gnomAD compares: East Asian, 0.049%; no homozygotes.

Submissions (2):

Women's Health and Genetics/Laboratory Corporation of America, LabCorp
Classification: Uncertain significance. Last evaluated: 2025-11-12. Review status: criteria provided, single submitter. Criteria: LabCorp Variant Classification Summary - May 2015. Collection method: clinical testing. Allele origin: germline.
Comment: Variant summary: FGF10 c.191G>T (p.Gly64Val) results in a non-conservative amino acid change in the encoded protein sequence. Algorithms developed to predict the effect of missense changes on protein structure and function are either unavailable or do not agree on the potential impact of this missense change. The variant allele was found at a frequency of 4e-05 in 251444 control chromosomes. This frequency is not significantly higher than estimated for disease-causing variants in FGF10, allowing no conclusion about variant significance. To our knowledge, no occurrence of c.191G>T in individuals affected with FGF10-related conditions and no experimental evidence demonstrating its impact on protein function have been reported. ClinVar contains an entry for this variant (Variation ID: 2971903). Based on the evidence outlined above, the variant was classified as uncertain significance.

Labcorp Genetics (formerly Invitae), Labcorp
Classification: Uncertain significance. Last evaluated: 2023-01-13. Review status: criteria provided, single submitter. Criteria: Invitae Variant Classification Sherloc (09022015). Collection method: clinical testing. Allele origin: germline.
Comment: Algorithms developed to predict the effect of missense changes on protein structure and function are either unavailable or do not agree on the potential impact of this missense change (SIFT: "Tolerated"; PolyPhen-2: "Possibly Damaging"; Align-GVGD: "Class C0"). This variant has not been reported in the literature in individuals affected with FGF10-related conditions. This variant is present in population databases (rs201676495, gnomAD 0.05%). This sequence change replaces glycine, which is neutral and non-polar, with valine, which is neutral and non-polar, at codon 64 of the FGF10 protein (p.Gly64Val). In summary, the available evidence is currently insufficient to determine the role of this variant in disease. Therefore, it has been classified as a Variant of Uncertain Significance.

NM_004465.2(FGF10):c.191G>T (p.Gly64Val)

Gene: FGF10 (fibroblast growth factor 10; minus strand). Cytogenetic location: 5p12.
Variant type: single nucleotide variant.
Coding change: c.191G>T on transcript NM_004465.2 (MANE Select); coding-DNA position 191, G replaced by T.
Protein change: p.Gly64Val; replaces glycine 64 with valine.
Molecular consequence: missense variant.
Genome position (GRCh38, 1-based): chr5:44,388,492, C>A on the plus strand (G>T on the coding strand, the complement: FGF10 is on the minus strand). VCF-style: chr5-44388492-C-A. GRCh37 (hg19) VCF-style: chr5-44388594-C-A.
Other names: short protein forms G64V.
Identifiers: ClinVar variation 2971903 (VCV002971903.4), dbSNP rs201676495, ClinGen allele CA3258554.